The following is an entry in ClinVar:

ClinVar aggregate classification (germline): Uncertain significance (1 of 4 stars; one submission).

Conditions:
Polycystic kidney disease, adult type (PKD1). Also called: Polycystic Kidney Disease 1, Autosomal Dominant; Polycystic kidney disease 1; Polycystic kidney disease 1, severe; POLYCYSTIC KIDNEY DISEASE, ADULT, TYPE I; POLYCYSTIC KIDNEY DISEASE 1 WITH OR WITHOUT POLYCYSTIC LIVER DISEASE; Polycystic Kidney, Autosomal Dominant. Identifiers: MedGen C3149841, MONDO:0008263, OMIM 173900.

Submission:

ARUP Laboratories, Molecular Genetics and Genomics, ARUP Laboratories
Classification: Uncertain significance for Polycystic kidney disease, adult type. Last evaluated: 2020-03-16. Review status: criteria provided, single submitter. Criteria: ARUP Molecular Germline Variant Investigation Process. Collection method: clinical testing. Allele origin: germline.
Comment: The PKD1 c.9847T>C; p.Cys3283Arg variant, to our knowledge, is not reported in the medical literature or gene specific databases. This variant is also absent from general population databases (Exome Variant Server, Genome Aggregation Database), indicating it is not a common polymorphism. The cysteine at codon 3283 is highly conserved, and computational analyses (SIFT, PolyPhen-2) predict that this variant is deleterious. Due to limited information, the clinical significance of the p.Cys3283Arg variant is uncertain at this time.

NM_001009944.3(PKD1):c.9847T>C (p.Cys3283Arg)

Gene: PKD1 (polycystin 1, transient receptor potential channel interacting; minus strand). Cytogenetic location: 16p13.3.
Variant type: single nucleotide variant.
Coding change: c.9847T>C on transcript NM_001009944.3 (MANE Select); coding-DNA position 9847, T replaced by C.
Protein change: p.Cys3283Arg; replaces cysteine 3283 with arginine.
Molecular consequence: missense variant.
Genome position (GRCh38, 1-based): chr16:2,099,937, A>G on the plus strand (T>C on the coding strand, the complement: PKD1 is on the minus strand). VCF-style: chr16-2099937-A-G. GRCh37 (hg19) VCF-style: chr16-2149938-A-G.
Other names: c.9847T>C, p.Cys3283Arg (NM_000296.4); short protein forms C3283R.
Identifiers: ClinVar variation 994076 (VCV000994076.8), dbSNP rs2092021242, ClinGen allele CA394353454.
Genomic context (GRCh38, chr16:2,099,937, plus strand): 5'-CAACAGCCCCGTACCACACGGCGTTGGCGCCCAGGAAGAGGCAGATGAGGAGAACGCAGC[A>G]GGTGGCCCTCTGGATGCGAGTGAAACGGCTACGAGGCGGCCGGTCCCATATGGAGAGCCA-3'
Protein context (NP_001009944.3, residues 3273-3293): SRFTRIQRAT[Cys3283Arg]CVLLICLFLG